The following is an entry in ClinVar:

NM_001329630.2(PLEKHA7):c.1572C>T (p.Tyr524=)

Gene: PLEKHA7 (pleckstrin homology domain containing A7; minus strand). Cytogenetic location: 11p15.2.
Variant type: single nucleotide variant.
Coding change: c.1572C>T on transcript NM_001329630.2 (MANE Select); coding-DNA position 1572, C replaced by T.
Protein change: p.Tyr524=; no amino-acid change (tyrosine 524 retained).
Molecular consequence: synonymous variant.
Genome position (GRCh38, 1-based): chr11:16,817,094, G>A on the plus strand (C>T on the coding strand, the complement: PLEKHA7 is on the minus strand). VCF-style: chr11-16817094-G-A. GRCh37 (hg19) VCF-style: chr11-16838641-G-A.
Other names: c.1572C>T, p.Tyr524= (NM_001329631.2, NM_175058.5).
Identifiers: ClinVar variation 712958 (VCV000712958.6), dbSNP rs140249022, ClinGen allele CA5899418.

ClinVar aggregate classification (germline): Benign. Review status: criteria provided, multiple submitters, no conflicts (2 of 4 stars). 3 submissions from 3 submitters: Benign (2). 1 of the submissions does not count toward it. Last evaluated 2018-07-18.

Conditions:
PLEKHA7-related disorder. Also called: PLEKHA7-related condition.

Allele frequency attached by ClinVar (database versions not stated): 1000 Genomes Project 0.00060; 1000 Genomes Project 30x 0.00062; TOPMed 0.00111; gnomAD 0.00115 and 0.00119; ExAC 0.00140; gnomAD exomes 0.00141 and 0.00144; ESP Exome Variant Server 0.00200.
gnomAD v4.1: 2,245 of 1,613,848 alleles (0.14%); highest among the groups gnomAD compares: Middle Eastern, 0.41%; 7 homozygotes.

Submissions (3):

Labcorp Genetics (formerly Invitae), Labcorp
Classification: Benign. Last evaluated: 2018-07-18. Review status: criteria provided, single submitter. Criteria: Invitae Variant Classification Sherloc (09022015). Collection method: clinical testing. Allele origin: germline.

Breakthrough Genomics
Classification: Benign. Review status: criteria provided, single submitter. Criteria: ACMG Guidelines, 2015. Collection method: not provided. Allele origin: germline. Inheritance: Unknown mechanism. Affected: yes.

PreventionGenetics, part of Exact Sciences
Classification: Likely benign for PLEKHA7-related condition. Last evaluated: 2019-02-21. Review status: no assertion criteria provided. Collection method: clinical testing. Allele origin: germline. Not counted in ClinVar's aggregate classification.
Comment: This variant is classified as likely benign based on ACMG/AMP sequence variant interpretation guidelines (Richards et al. 2015 PMID: 25741868, with internal and published modifications).